The following is an entry in ClinVar:

NM_007294.4(BRCA1):c.4181C>T (p.Thr1394Ile)

Gene: BRCA1 (BRCA1 DNA repair associated; minus strand). Cytogenetic location: 17q21.31.
Variant type: single nucleotide variant.
Coding change: c.4181C>T on transcript NM_007294.4 (MANE Select); coding-DNA position 4181, C replaced by T.
Protein change: p.Thr1394Ile; replaces threonine 1394 with isoleucine.
Molecular consequence: missense variant. On other transcripts: non-coding transcript variant (1).
Genome position (GRCh38, 1-based): chr17:43,090,948, G>A on the plus strand (C>T on the coding strand, the complement: BRCA1 is on the minus strand). VCF-style: chr17-43090948-G-A. GRCh37 (hg19) VCF-style: chr17-41242965-G-A.
Other names: 4300C>T; c.3968C>T, p.Thr1323Ile (NM_001407571.1, NM_001407853.1, NM_001407894.1 and 9 more transcripts); c.4181C>T, p.Thr1394Ile (NM_001407581.1, NM_001407582.1, NM_001407583.1 and 30 more transcripts); c.4178C>T, p.Thr1393Ile (NM_001407587.1, NM_001407590.1, NM_001407591.1 and 22 more transcripts); c.4172C>T, p.Thr1391Ile (NM_001407646.1, NM_001407647.1); c.4058C>T, p.Thr1353Ile (NM_001407648.1, NM_001407664.1, NM_001407665.1 and 19 more transcripts); c.4055C>T, p.Thr1352Ile (NM_001407649.1, NM_001407670.1, NM_001407671.1 and 11 more transcripts); c.4103C>T, p.Thr1368Ile (NM_001407653.1, NM_001407654.1, NM_001407655.1 and 4 more transcripts); and 42 more; short protein forms T1394I, T291I, T1347I, T1226I, T1267I, T1324I, T1367I, T1368I.
Identifiers: ClinVar variation 37573 (VCV000037573.34), dbSNP rs397507226, ClinGen allele CA002673.

ClinVar aggregate classification (germline): Conflicting classifications of pathogenicity. Review status: criteria provided, conflicting classifications (1 of 4 stars). 8 submissions from 8 submitters: Uncertain significance (5); Likely benign (2). 1 of the submissions does not count toward it. Last evaluated 2026-01-28.

Conditions:
BRCA1-related cancer predisposition. Identifiers: MedGen CN377757, MONDO:0700268.
Hereditary cancer-predisposing syndrome. Also called: Tumor predisposition; Neoplastic Syndromes, Hereditary; Hereditary Cancer Syndrome; Hereditary neoplastic syndrome. Identifiers: Orphanet 140162, MedGen C0027672, MeSH D009386, MONDO:0015356.
Hereditary breast ovarian cancer syndrome. Also called: Hereditary breast and ovarian cancer syndrome (HBOC); Hereditary breast and ovarian cancer syndrome; Hereditary breast and ovarian cancer; Hereditary breast and/or ovarian cancer syndrome; Breast and ovarian cancer; BRCA1- and BRCA2-Associated Hereditary Breast and Ovarian Cancer. Identifiers: Orphanet 145, MedGen C0677776, MeSH D061325, MONDO:0003582. Disease mechanism: loss of function.
Breast-ovarian cancer, familial, susceptibility to, 1 (BROVCA1). Also called: OVARIAN CANCER, SUSCEPTIBILITY TO; BRCA1 Hereditary Breast and Ovarian Cancer. Identifiers: Orphanet 145, MedGen C2676676, MONDO:0011450, OMIM 604370. Disease mechanism: loss of function.

Allele frequency attached by ClinVar (database versions not stated): gnomAD exomes below 0.00001; gnomAD 0.00001.
gnomAD v4.1: 2 of 1,609,184 alleles (0.00012%); highest among the groups gnomAD compares: African/African-American, 0.0027%; no homozygotes.

Submissions (8):

Labcorp Genetics (formerly Invitae), Labcorp
Classification: Likely benign for Hereditary breast ovarian cancer syndrome. Last evaluated: 2026-01-28. Review status: criteria provided, single submitter. Criteria: Invitae Variant Classification Sherloc (09022015). Collection method: clinical testing. Allele origin: germline.

Ambry Genetics
Classification: Uncertain significance for Hereditary cancer-predisposing syndrome. Last evaluated: 2025-02-28. Review status: criteria provided, single submitter. Criteria: Ambry Variant Classification Scheme 2023. Collection method: clinical testing. Allele origin: germline.
Comment: The p.T1394I variant (also known as c.4181C>T), located in coding exon 10 of the BRCA1 gene, results from a C to T substitution at nucleotide position 4181. The threonine at codon 1394 is replaced by isoleucine, an amino acid with similar properties. This alteration has been identified in individuals diagnosed with breast cancer (Pal T et al. Cancer. 2015 Dec 1;121(23):4173-80; George SHL et al. JAMA Netw Open, 2021 03;4:e210307). In one study, this variant was classified as functionally 'likely not pathogenic' by using a Bayesian hierarchical model (VarCall) which incorporates direct transcriptional activation function measurements of BRCA1 variants to predict pathogenicity (Woods NT et al. Genomic Med. 2016 Mar 1:16001). This variant also performed similar to wildtype in a homology-directed DNA repair (HDR) assay (Hart SN et al. Genet. Med., 2019 01;21:71-80). This alteration is also known as 4300C>T in published literature. This amino acid position is highly conserved in available vertebrate species. In addition, this alteration is predicted to be deleterious by in silico analysis. Since supporting evidence is limited at this time, the clinical significance of this alteration remains unclear.

Women's Health and Genetics/Laboratory Corporation of America, LabCorp
Classification: Likely benign. Last evaluated: 2024-12-23. Review status: criteria provided, single submitter. Criteria: LabCorp Variant Classification Summary - May 2015. Collection method: clinical testing. Allele origin: germline.
Comment: Variant summary: BRCA1 c.4181C>T (p.Thr1394Ile) results in a non-conservative amino acid change in the encoded protein sequence. Four of five in-silico tools predict a damaging effect of the variant on protein function. The variant was absent in 244234 control chromosomes. The available data on variant occurrences in the general population are insufficient to allow any conclusion about variant significance. c.4181C>T has been reported in the literature in individuals affected with Hereditary Breast And Ovarian Cancer Syndrome (Pal_2015, George_2021) without strong evidence for causality. Several publications report experimental evidence evaluating an impact on protein function: these studies demonstrated that the variant had similar function as wildtype (Billaud_2021, Woods_2016, Hart_2019, Foo_2021). The following publications have been ascertained in the context of this evaluation (PMID: 34749799, 34301763, 33646313, 29884841, 26287763, 28781887). ClinVar contains an entry for this variant (Variation ID: 37573). Based on the evidence outlined above, the variant was classified as likely benign.

All of Us Research Program, National Institutes of Health
Classification: Uncertain significance for BRCA1-related cancer predisposition. Last evaluated: 2024-04-16. Review status: criteria provided, single submitter. Criteria: ACMG Guidelines, 2015. Collection method: clinical testing. Allele origin: germline. Inheritance: Autosomal dominant inheritance. Observed: 2 variant alleles, 2 heterozygotes.
Comment: This missense variant replaces threonine with isoleucine at codon 1394 of the BRCA1 protein. Computational prediction is inconclusive regarding the impact of this variant on protein structure and function (internally defined REVEL score threshold 0.5 < inconclusive < 0.7, PMID: 27666373). Functional studies have reported that this variant does not impact BRCA1 function in a homology-directed repair assay and transcriptional activation assays (PMID: 28781887, 29884841). However, another study has implicated Thr1394 in the regulation of BRCA1 function by ATM/ATR in promoting homology-directed DNA repair and G 2-M checkpoint maintenance (PMID: 34301763). This variant has been reported in at least one individual affected with breast cancer before age 50 (PMID: 26287763). This variant has not been identified in the general population by the Genome Aggregation Database (gnomAD). The available evidence is insufficient to determine the role of this variant in disease conclusively. Therefore, this variant is classified as a Variant of Uncertain Significance.

This study involves interpretation of variants in research participants for the purpose of population health screening. Participant phenotype was not available at the time of variant classification. Additional details can be found in publication PMID: 35346344, PMCID: PMC8962531

Color Diagnostics, LLC DBA Color Health
Classification: Uncertain significance for Hereditary cancer-predisposing syndrome. Last evaluated: 2024-04-02. Review status: criteria provided, single submitter. Criteria: ACMG Guidelines, 2015. Collection method: clinical testing. Allele origin: germline.
Comment: This missense variant replaces threonine with isoleucine at codon 1394 of the BRCA1 protein. Computational prediction is inconclusive regarding the impact of this variant on protein structure and function. Functional studies have reported that this variant does not impact BRCA1 function in a homology-directed repair and transcriptional activation assays and the survival of NHEJ DNA repair-deficient haploid human cells (PMID: 28781887, 29884841, 34749799). However, another study has implicated Thr1394 in the regulation of BRCA1 function by ATM/ATR in promoting homology-directed DNA repair and G 2-M checkpoint maintenance (PMID: 34301763). This variant has been reported in at least one individual affected with breast cancer before age 50 (PMID: 26287763). This variant has not been identified in the general population by the Genome Aggregation Database (gnomAD). The available evidence is insufficient to determine the role of this variant in disease conclusively. Therefore, this variant is classified as a Variant of Uncertain Significance.

GeneDx
Classification: Uncertain significance. Last evaluated: 2024-03-01. Review status: criteria provided, single submitter. Criteria: GeneDx Variant Classification Process June 2021. Collection method: clinical testing. Allele origin: germline. Affected: yes.
Comment: Observed in individuals with breast cancer (PMID: 33646313, 26287763); Published functional studies demonstrate transcriptional activation and cell survival comparable to wildtype, but decreased homology-directed repair activity and increased sensitivity to DNA damaging agents (PMID: 34749799, 28781887, 34301763); Not observed at significant frequency in large population cohorts (gnomAD); In silico analysis supports that this missense variant has a deleterious effect on protein structure/function; Also known as 4300C>T; This variant is associated with the following publications: (PMID: 15343273, 22737296, 33646313, 34749799, 31853058, 28781887, 34301763, 29884841, 26287763, 32377563, 35665744)

Quest Diagnostics Nichols Institute San Juan Capistrano
Classification: Uncertain significance. Last evaluated: 2023-06-13. Review status: criteria provided, single submitter. Criteria: Quest Diagnostics criteria. Collection method: clinical testing. Allele origin: unknown.
Comment: In the published literature, this variant has been reported in individuals with breast cancer (PMID: 33646313 (2021), 26287763 (2015)). Published functional studies have reported conflicting effects of this variant on BRCA1 protein function (PMID: 34749799 (2021), 34301763 (2021), 28781887 (2016)). The frequency of this variant in the general population, 0.0000066 (1/152182 chromosomes (Genome Aggregation Database)), is uninformative in the assessment of its pathogenicity. Analysis of this variant using bioinformatics tools for the prediction of the effect of amino acid changes on protein structure and function yielded conflicting predictions that this variant is benign or damaging. Based on the available information, we are unable to determine the clinical significance of this variant.

Sharing Clinical Reports Project (SCRP)
Classification: Likely benign for Breast-ovarian cancer, familial 1. Last evaluated: 2012-08-06. Review status: no assertion criteria provided. Collection method: clinical testing. Allele origin: germline. Not counted in ClinVar's aggregate classification.

Literature cited by the submitters: PubMed 25348012 (cited by Ambry Genetics); PubMed 28781887 (cited by 5 submitters); PubMed 29884841 (cited by 4 submitters); PubMed 33646313 (cited by 3 submitters); PubMed 26287763 (cited by 4 submitters); PubMed 34301763 (cited by 4 submitters); PubMed 34749799 (cited by 3 submitters).